The following is an entry in ClinVar:

ClinVar aggregate classification (germline): Uncertain significance. Review status: criteria provided, multiple submitters, no conflicts (2 of 4 stars). 6 submissions from 6 submitters: Uncertain significance (5). 1 of the submissions does not count toward it. Last evaluated 2026-01-12.

Conditions:
Baller-Gerold syndrome (BGS). Also called: CRANIOSYNOSTOSIS WITH RADIAL DEFECTS. Identifiers: Orphanet 1225, MedGen C0265308, MONDO:0009039, OMIM 218600.
Rothmund-Thomson syndrome type 2 (RTS2). Identifiers: Orphanet 221016, MedGen C5203410, MONDO:0016369, OMIM 268400.
Rapadilino syndrome. Identifiers: Orphanet 3021, MedGen C1849453, MONDO:0009955, OMIM 266280.
Hereditary cancer-predisposing syndrome. Also called: Tumor predisposition; Hereditary neoplastic syndrome; Neoplastic Syndromes, Hereditary; Hereditary Cancer Syndrome. Identifiers: Orphanet 140162, MedGen C0027672, MeSH D009386, MONDO:0015356.

Allele frequency attached by ClinVar (database versions not stated): gnomAD exomes 0.00006 and 0.00015; gnomAD 0.00013 and 0.00015; TOPMed 0.00013; ExAC 0.00017; 1000 Genomes Project 0.00020.

Submissions (6):

Labcorp Genetics (formerly Invitae), Labcorp
Classification: Uncertain significance for Baller-Gerold syndrome. Last evaluated: 2026-01-12. Review status: criteria provided, single submitter. Criteria: Invitae Variant Classification Sherloc (09022015). Collection method: clinical testing. Allele origin: germline.
Comment: This sequence change replaces arginine, which is basic and polar, with histidine, which is basic and polar, at codon 807 of the RECQL4 protein (p.Arg807His). This variant is present in population databases (rs571684398, gnomAD 0.07%). This variant has not been reported in the literature in individuals affected with RECQL4-related conditions. ClinVar contains an entry for this variant (Variation ID: 135139). Invitae Evidence Modeling of protein sequence and biophysical properties (such as structural, functional, and spatial information, amino acid conservation, physicochemical variation, residue mobility, and thermodynamic stability) indicates that this missense variant is expected to disrupt RECQL4 protein function with a positive predictive value of 80%. In summary, the available evidence is currently insufficient to determine the role of this variant in disease. Therefore, it has been classified as a Variant of Uncertain Significance.

Blueprint Genetics
Classification: Uncertain significance. Last evaluated: 2024-11-25. Review status: criteria provided, single submitter. Criteria: ACMG Guidelines, 2015. Collection method: clinical testing. Allele origin: germline.

Sema4
Classification: Uncertain significance for Hereditary cancer-predisposing syndrome. Last evaluated: 2022-03-18. Review status: criteria provided, single submitter. Criteria: Sema4 Curation Guidelines. Collection method: curation. Allele origin: germline.
Comment: The RECQL4 c.2420G>A (p.R807H) variant has been reported in heterozygosity in at least one individual with advanced cancer (PMID: 28873162) as well as one healthy adult undergoing whole exome sequencing (PMID: 24728327). It was observed in 11/18776 chromosomes of the East Asian subpopulation, with no homozygotes, in the large and broad cohorts of the Genome Aggregation Database (PMID: 32461654). The variant has been reported in ClinVar (Variation ID 135139). Functional studies have not been performed, and in silico predictions of the variant's effect on protein function are inconclusive. The evidence is insufficient to meet ACMG/AMP criteria for classifying the variant as benign or pathogenic. Thus the clinical significance of this variant is currently uncertain.

Institute for Clinical Genetics, University Hospital TU Dresden, University Hospital TU Dresden
Classification: Uncertain significance. Last evaluated: 2021-11-03. Review status: criteria provided, single submitter. Criteria: ACMG Guidelines, 2015. Collection method: clinical testing. Allele origin: germline.

Department of Pathology and Laboratory Medicine, Sinai Health System
Classification: Uncertain significance for Baller-Gerold syndrome; Rapadilino syndrome; Rothmund-Thomson syndrome type 2. Last evaluated: 2021-07-30. Review status: criteria provided, single submitter. Criteria: ACMG Guidelines, 2015. Collection method: research. Allele origin: germline.

ITMI
No classification provided. Condition: AllHighlyPenetrant. Last evaluated: 2013-09-19. Review status: no classification provided. Collection method: reference population. Allele origin: germline. Not counted in ClinVar's aggregate classification.
Comment: Please see associated publication for description of ethnicities

Literature cited by the submitters: PubMed 28873162 (cited by Sema4); PubMed 24728327 (cited by Sema4 and ITMI).

NM_004260.4(RECQL4):c.2420G>A (p.Arg807His)

Gene: RECQL4 (RecQ like helicase 4; minus strand). Cytogenetic location: 8q24.3.
Variant type: single nucleotide variant.
Coding change: c.2420G>A on transcript NM_004260.4 (MANE Select); coding-DNA position 2420, G replaced by A.
Protein change: p.Arg807His; replaces arginine 807 with histidine.
Molecular consequence: missense variant.
Genome position (GRCh38, 1-based): chr8:144,513,261, C>T on the plus strand (G>A on the coding strand, the complement: RECQL4 is on the minus strand). VCF-style: chr8-144513261-C-T. GRCh37 (hg19) VCF-style: chr8-145738644-C-T.
Other names: short protein forms R807H.
Identifiers: ClinVar variation 135139 (VCV000135139.17), dbSNP rs571684398, ClinGen allele CA161835.